The following is an entry in ClinVar:

ClinVar aggregate classification (germline): Likely benign (0 of 4 stars; one submission).

Conditions:
C8G-related disorder. Also called: C8G-related condition.

Allele frequency attached by ClinVar (database versions not stated): ESP Exome Variant Server 0.00023; gnomAD exomes 0.00030; gnomAD 0.00043; 1000 Genomes Project 30x 0.00047; TOPMed 0.00052; 1000 Genomes Project 0.00060; ExAC 0.00107.
gnomAD v4.1: 537 of 1,582,274 alleles (0.034%); highest among the groups gnomAD compares: Middle Eastern, 0.25%; 2 homozygotes.

Submission:

PreventionGenetics, part of Exact Sciences
Classification: Likely benign for C8G-related condition. Last evaluated: 2019-04-01. Review status: no assertion criteria provided. Collection method: clinical testing. Allele origin: germline.
Comment: This variant is classified as likely benign based on ACMG/AMP sequence variant interpretation guidelines (Richards et al. 2015 PMID: 25741868, with internal and published modifications).

NM_000606.3(C8G):c.*5G>A

Gene: C8G (complement C8 gamma chain; plus strand). Cytogenetic location: 9q34.3.
Variant type: single nucleotide variant.
Coding change: c.*5G>A on transcript NM_000606.3 (MANE Select); 5 bases downstream of the stop codon, G replaced by A.
Molecular consequence: 3 prime UTR variant.
Genome position (GRCh38, 1-based): chr9:136,946,786, G>A. VCF-style: chr9-136946786-G-A. GRCh37 (hg19) VCF-style: chr9-139841238-G-A.
Identifiers: ClinVar variation 3040936 (VCV003040936.2), dbSNP rs145014779, ClinGen allele CA5351807.